The following is an entry in ClinVar:

NM_025114.4(CEP290):c.3064C>T (p.His1022Tyr)

Gene: CEP290 (centrosomal protein 290; minus strand). Cytogenetic location: 12q21.32.
Variant type: single nucleotide variant.
Coding change: c.3064C>T on transcript NM_025114.4 (MANE Select); coding-DNA position 3064, C replaced by T.
Protein change: p.His1022Tyr; replaces histidine 1022 with tyrosine.
Molecular consequence: missense variant.
Genome position (GRCh38, 1-based): chr12:88,096,927, G>A on the plus strand (C>T on the coding strand, the complement: CEP290 is on the minus strand). VCF-style: chr12-88096927-G-A. GRCh37 (hg19) VCF-style: chr12-88490704-G-A.
Other names: c.3064C>T (NM_025114.3); short protein forms H1022Y.
Identifiers: ClinVar variation 1017530 (VCV001017530.9), dbSNP rs916545578, ClinGen allele CA241171219.

ClinVar aggregate classification (germline): Uncertain significance. Review status: criteria provided, multiple submitters, no conflicts (2 of 4 stars). 3 submissions from 3 submitters: Uncertain significance (2). 1 of the submissions does not count toward it. Last evaluated 2025-05-23.

Conditions:
Joubert syndrome. Also called: Familial aplasia of the vermis; JOUBERT-BOLTSHAUSER SYNDROME. Identifiers: Orphanet 475, MedGen C5979921, MONDO:0018772.
Nephronophthisis. Also called: Juvenile Nephronophthisis. Identifiers: Orphanet 655, MedGen C0687120, MONDO:0019005, HP:0000090.
Meckel-Gruber syndrome. Also called: DYSENCEPHALIA SPLANCHNOCYSTICA; GRUBER SYNDROME; Dysencephalia splachnocystica. Identifiers: Orphanet 564, MedGen C0265215, MONDO:0018921.
CEP290-related disorder. Also called: CEP290-related disorders; CEP290-related condition. Identifiers: MedGen CN239314.
Leber congenital amaurosis (LCA). Also called: Leber's amaurosis. Identifiers: Orphanet 65, MedGen C0339527, MeSH D057130, MONDO:0018998.

Allele frequency attached by ClinVar (database versions not stated): gnomAD 0.00001; gnomAD exomes 0.00001; TOPMed 0.00001.
gnomAD v4.1: 13 of 1,582,312 alleles (0.00082%); highest among the groups gnomAD compares: South Asian, 0.0058%; no homozygotes.

Submissions (3):

PreventionGenetics, part of Exact Sciences
Classification: Uncertain significance for CEP290-related condition. Last evaluated: 2025-05-23. Review status: criteria provided, single submitter. Criteria: ACMG Guidelines, 2015. Collection method: clinical testing. Allele origin: germline.
Comment: The CEP290 c.3064C>T variant is predicted to result in the amino acid substitution p.His1022Tyr. To our knowledge, this variant has not been reported in the literature. This variant is reported in 0.0011% of alleles in individuals of European (Non-Finnish) descent in gnomAD. At this time, the clinical significance of this variant is uncertain due to the absence of conclusive functional and genetic evidence.

Labcorp Genetics (formerly Invitae), Labcorp
Classification: Uncertain significance for Joubert syndrome; Meckel-Gruber syndrome; Nephronophthisis. Last evaluated: 2025-04-28. Review status: criteria provided, single submitter. Criteria: Invitae Variant Classification Sherloc (09022015). Collection method: clinical testing. Allele origin: germline.
Comment: This sequence change replaces histidine, which is basic and polar, with tyrosine, which is neutral and polar, at codon 1022 of the CEP290 protein (p.His1022Tyr). The frequency data for this variant in the population databases is considered unreliable, as metrics indicate poor data quality at this position in the gnomAD database. This variant has not been reported in the literature in individuals affected with CEP290-related conditions. ClinVar contains an entry for this variant (Variation ID: 1017530). An algorithm developed to predict the effect of missense changes on protein structure and function outputs the following: PolyPhen-2: "Benign". The tyrosine amino acid residue is found in multiple mammalian species, which suggests that this missense change does not adversely affect protein function. In summary, the available evidence is currently insufficient to determine the role of this variant in disease. Therefore, it has been classified as a Variant of Uncertain Significance.

Natera, Inc.
Classification: Uncertain significance for Leber congenital amaurosis. Last evaluated: 2020-12-14. Review status: no assertion criteria provided. Collection method: clinical testing. Allele origin: germline. Not counted in ClinVar's aggregate classification.